The following is an entry in ClinVar:

NM_020800.3(IFT80):c.1380+2del

Genes: IFT80 (intraflagellar transport 80; minus strand), TRIM59-IFT80 (TRIM59-IFT80 readthrough (NMD candidate); minus strand). Cytogenetic location: 3q25.33.
Variant type: Deletion.
Coding change: c.1380+2del on transcript NM_020800.3 (MANE Select); the canonical splice donor site of the intron after coding-DNA position 1380, one base deleted (T; older notation c.1380+2delT).
Molecular consequence: splice donor variant.
Genome position (GRCh38, 1-based): chr3:160,285,802, A deleted on the plus strand (T on the coding strand, the reverse complement: IFT80 is on the minus strand). VCF-style (leftmost placement, unchanged base first): chr3-160285801-TA-T. GRCh37 (hg19) VCF-style: chr3-160003589-TA-T.
Other names: c.969+2del (NM_001190242.2, NM_001190241.2).
Identifiers: ClinVar variation 1522059 (VCV001522059.8), dbSNP rs2108240653, ClinGen allele CA2573136694.

ClinVar aggregate classification (germline): Likely pathogenic (1 of 4 stars; one submission).

Conditions:
Jeune thoracic dystrophy. Also called: Jeune syndrome; Infantile thoracic dystrophy; Thoracic pelvic phalangeal dystrophy; Jeune's syndrome; Chondroectodermal dysplasia-like syndrome; Short-rib thoracic dysplasia. Identifiers: Orphanet 474, MedGen C0265275, MONDO:0018770.

Allele frequency attached by ClinVar (database versions not stated): gnomAD exomes below 0.00001.

Submission:

Labcorp Genetics (formerly Invitae), Labcorp
Classification: Likely pathogenic for Jeune thoracic dystrophy. Last evaluated: 2020-12-04. Review status: criteria provided, single submitter. Criteria: Invitae Variant Classification Sherloc (09022015). Collection method: clinical testing. Allele origin: germline.
Comment: In summary, the currently available evidence indicates that the variant is pathogenic, but additional data are needed to prove that conclusively. Therefore, this variant has been classified as Likely Pathogenic. Algorithms developed to predict the effect of sequence changes on RNA splicing suggest that this variant may disrupt the consensus splice site, but this prediction has not been confirmed by published transcriptional studies. This variant has not been reported in the literature in individuals with IFT80-related conditions. This variant is not present in population databases (ExAC no frequency). This sequence change affects a donor splice site in intron 13 of the IFT80 gene. It is expected to disrupt RNA splicing. Variants that disrupt the donor or acceptor splice site typically lead to a loss of protein function (PMID: 16199547), and loss-of-function variants in IFT80 are known to be pathogenic (PMID: 21227999, 23339108, 29068549).

Literature cited by the submitters: PubMed 16199547; PubMed 21227999; PubMed 23339108; PubMed 29068549.